The following is an entry in ClinVar:

ClinVar aggregate classification (germline): Pathogenic (1 of 4 stars; one submission).

Submission:

Labcorp Genetics (formerly Invitae), Labcorp
Classification: Pathogenic. Last evaluated: 2021-08-16. Review status: criteria provided, single submitter. Criteria: Invitae Variant Classification Sherloc (09022015). Collection method: clinical testing. Allele origin: germline.
Comment: This sequence change creates a premature translational stop signal (p.Lys389Argfs*9) in the LARP7 gene. It is expected to result in an absent or disrupted protein product. Loss-of-function variants in LARP7 are known to be pathogenic (PMID: 22865833, 26374271, 26607181). This variant is not present in population databases (ExAC no frequency). This variant has not been reported in the literature in individuals affected with LARP7-related conditions. For these reasons, this variant has been classified as Pathogenic.

Literature cited by the submitters: PubMed 22865833; PubMed 26374271; PubMed 26607181.

NM_016648.4(LARP7):c.1166_1167del (p.Lys389fs)

Genes: LARP7 (La ribonucleoprotein 7, transcriptional regulator; plus strand), MIR302CHG (miR-302/367 cluster host gene; minus strand). Cytogenetic location: 4q25.
Variant type: Deletion.
Coding change: c.1166_1167del on transcript NM_016648.4 (MANE Select); coding-DNA positions 1166 to 1167, 2 bases deleted (AA; older notation c.1166_1167delAA).
Protein change: p.Lys389fs; shifts the reading frame from lysine 389.
Molecular consequence: frameshift variant.
Genome position (GRCh38, 1-based): chr4:112,649,558-112,649,559, AA deleted; deleting any 2 consecutive bases within chr4:112,649,554-112,649,559 gives the same sequence; the c. name uses the placement nearest the transcript's 3' end. VCF-style (leftmost placement, unchanged base first): chr4-112649553-GAA-G. GRCh37 (hg19) VCF-style: chr4-113570709-GAA-G.
Other names: c.1166_1167del, p.Lys389fs (NM_001267039.4, NM_001370978.1, NM_015454.3); c.1205_1206del, p.Lys402fs (NM_001370974.1, NM_001370975.1); c.1202_1203del, p.Lys401fs (NM_001370976.1, NM_001370977.1); c.1163_1164del, p.Lys388fs (NM_001370979.1, NM_001370980.1); c.929_930del, p.Lys310fs (NM_001370981.1, NM_001370982.1); short protein forms K401fs, K310fs, K402fs, K389fs, K388fs.
Identifiers: ClinVar variation 1385262 (VCV001385262.7), dbSNP rs1386408458, ClinGen allele CA2573138015.